The following is an entry in ClinVar:

NM_001171613.2(PREPL):c.1597C>T (p.Arg533Cys)

Gene: PREPL (prolyl endopeptidase like; minus strand). Cytogenetic location: 2p21.
Variant type: single nucleotide variant.
Coding change: c.1597C>T on transcript NM_001171613.2 (MANE Select); coding-DNA position 1597, C replaced by T.
Protein change: p.Arg533Cys; replaces arginine 533 with cysteine.
Molecular consequence: missense variant.
Genome position (GRCh38, 1-based): chr2:44,323,294, G>A on the plus strand (C>T on the coding strand, the complement: PREPL is on the minus strand). VCF-style: chr2-44323294-G-A. GRCh37 (hg19) VCF-style: chr2-44550433-G-A.
Other names: c.1864C>T, p.Arg622Cys (NM_006036.4, NM_001171603.1, NM_001171606.2 and 2 more transcripts); c.1678C>T, p.Arg560Cys (NM_001042385.2); c.1666C>T, p.Arg556Cys (NM_001042386.2); c.1597C>T, p.Arg533Cys (NM_001171617.1, NM_001374277.1); short protein forms R533C, R622C, R556C, R560C.
Identifiers: ClinVar variation 1414557 (VCV001414557.5), dbSNP rs145088151, ClinGen allele CA1641044.

ClinVar aggregate classification (germline): Uncertain significance. Review status: criteria provided, multiple submitters, no conflicts (2 of 4 stars). 2 submissions from 2 submitters: Uncertain significance (2). Last evaluated 2023-01-23.

Conditions:
Myasthenic syndrome, congenital, 22 (CMS22). Also called: PREPL DEFICIENCY. Identifiers: MedGen C4479088, MONDO:0044299, OMIM 616224.

Allele frequency attached by ClinVar (database versions not stated): gnomAD 0.00003; TOPMed 0.00003; ExAC 0.00005; gnomAD exomes 0.00005 and 0.00006; ESP Exome Variant Server 0.00023.
gnomAD v4.1: 80 of 1,606,800 alleles (0.005%); highest among the groups gnomAD compares: South Asian, 0.054%; 1 homozygote.

Submissions (2):

Revvity Omics, Revvity
Classification: Uncertain significance for Myasthenic syndrome, congenital, 22. Last evaluated: 2023-01-23. Review status: criteria provided, single submitter. Criteria: ACMG Guidelines, 2015. Collection method: clinical testing. Allele origin: germline.

Labcorp Genetics (formerly Invitae), Labcorp
Classification: Uncertain significance for Myasthenic syndrome, congenital, 22. Last evaluated: 2022-10-16. Review status: criteria provided, single submitter. Criteria: Invitae Variant Classification Sherloc (09022015). Collection method: clinical testing. Allele origin: germline.
Comment: This sequence change replaces arginine, which is basic and polar, with cysteine, which is neutral and slightly polar, at codon 622 of the PREPL protein (p.Arg622Cys). The frequency data for this variant in the population databases is considered unreliable, as metrics indicate poor data quality at this position in the gnomAD database. This variant has not been reported in the literature in individuals affected with PREPL-related conditions. ClinVar contains an entry for this variant (Variation ID: 1414557). Advanced modeling of protein sequence and biophysical properties (such as structural, functional, and spatial information, amino acid conservation, physicochemical variation, residue mobility, and thermodynamic stability) performed at Invitae indicates that this missense variant is not expected to disrupt PREPL protein function. In summary, the available evidence is currently insufficient to determine the role of this variant in disease. Therefore, it has been classified as a Variant of Uncertain Significance.